The following is an entry in ClinVar:

ClinVar aggregate classification (germline): Conflicting classifications of pathogenicity. Review status: criteria provided, conflicting classifications (1 of 4 stars). 2 submissions from 2 submitters: Pathogenic (1); Uncertain significance (1). Last evaluated 2025-11-27.

Conditions:
Mucopolysaccharidosis, MPS-IV-B (MPS4B). Also called: MORQUIO SYNDROME B; Mucopolysaccharidosis Type IVB (Morquio B Disease); Mucopolysaccharidosis type 4B; Mucopolysaccharidosis type IVB (Morquio); MPS IVB; Mucopolysaccharidosis type IV B. Identifiers: Orphanet 309310, Orphanet 582, MedGen C0086652, MONDO:0009660, OMIM 253010.
GM1 gangliosidosis. Identifiers: Orphanet 354, MedGen C0085131, MONDO:0018149.

Allele frequency attached by ClinVar (database versions not stated): gnomAD exomes below 0.00001.
gnomAD v4.1: 1 of 1,614,016 alleles (0.000062%); highest among the groups gnomAD compares: Admixed American, 0.0017%; no homozygotes.

Submissions (2):

Labcorp Genetics (formerly Invitae), Labcorp
Classification: Pathogenic for Mucopolysaccharidosis, MPS-IV-B; GM1 gangliosidosis. Last evaluated: 2025-11-27. Review status: criteria provided, single submitter. Criteria: Invitae Variant Classification Sherloc (09022015). Collection method: clinical testing. Allele origin: germline.
Comment: This sequence change replaces proline, which is neutral and non-polar, with serine, which is neutral and polar, at codon 328 of the GLB1 protein (p.Pro328Ser). This variant is present in population databases (no rsID available, gnomAD 0.003%). This missense change has been observed in individual(s) with GLB1-related conditions (internal data). In at least one individual the data is consistent with being in trans (on the opposite chromosome) from a pathogenic variant. ClinVar contains an entry for this variant (Variation ID: 1393979). Invitae Evidence Modeling of protein sequence and biophysical properties (such as structural, functional, and spatial information, amino acid conservation, physicochemical variation, residue mobility, and thermodynamic stability) indicates that this missense variant is expected to disrupt GLB1 protein function with a positive predictive value of 95%. For these reasons, this variant has been classified as Pathogenic.

Women's Health and Genetics/Laboratory Corporation of America, LabCorp
Classification: Uncertain significance. Last evaluated: 2025-09-25. Review status: criteria provided, single submitter. Criteria: LabCorp Variant Classification Summary - May 2015. Collection method: clinical testing. Allele origin: germline.
Comment: Variant summary: GLB1 c.982C>T (p.Pro328Ser) results in a non-conservative amino acid change in the encoded protein sequence. Algorithms developed to predict the effect of missense changes on protein structure and function all suggest that this variant is likely to be disruptive. The variant allele was found at a frequency of 4e-06 in 249522 control chromosomes (gnomAD). The available data on variant occurrences in the general population are insufficient to allow any conclusion about variant significance. c.982C>T has been observed in at least one compound heterozygous individual affected with a GLB1-related disorder (Internal data). These data do not allow any conclusion about variant significance. To our knowledge, no experimental evidence demonstrating an impact on protein function has been reported. ClinVar contains an entry for this variant (Variation ID: 1393979). Based on the evidence outlined above, the variant was classified as uncertain significance.

NM_000404.4(GLB1):c.982C>T (p.Pro328Ser)

Gene: GLB1 (galactosidase beta 1; minus strand). Cytogenetic location: 3p22.3.
Variant type: single nucleotide variant.
Coding change: c.982C>T on transcript NM_000404.4 (MANE Select); coding-DNA position 982, C replaced by T.
Protein change: p.Pro328Ser; replaces proline 328 with serine.
Molecular consequence: missense variant.
Genome position (GRCh38, 1-based): chr3:33,046,206, G>A on the plus strand (C>T on the coding strand, the complement: GLB1 is on the minus strand). VCF-style: chr3-33046206-G-A. GRCh37 (hg19) VCF-style: chr3-33087698-G-A.
Other names: c.982C>T (NM_000404.3); c.892C>T, p.Pro298Ser (NM_001079811.3); c.589C>T, p.Pro197Ser (NM_001135602.3); c.1126C>T, p.Pro376Ser (NM_001317040.2); c.982C>T, p.Pro328Ser (NM_001393580.1); short protein forms P298S, P376S, P197S, P328S.
Identifiers: ClinVar variation 1393979 (VCV001393979.9), dbSNP rs1244404381, ClinGen allele CA351999452.
Genomic context (GRCh38, chr3:33,046,206, plus strand): 5'-AATACTTCTCAGTGAGGTCCCCAGCCTCACTCAGTGGGGCATCATAGTCGTAGCTGGTGG[G>A]CTGTGCTGCATAGGGTGAGTTGGCCCCTAGAAGACAAAAATGTGCCACTAGTTATTACTG-3'
Protein context (NP_000395.3, residues 318-338): NGANSPYAAQ[Pro328Ser]TSYDYDAPLS